The following is an entry in ClinVar:

ClinVar aggregate classification (germline): Uncertain significance (1 of 4 stars; one submission).

Conditions:
Hereditary spastic paraplegia 31. Also called: SPASTIC PARAPLEGIA 31, AUTOSOMAL DOMINANT. Identifiers: Orphanet 101011, MedGen C1853247, MONDO:0012453, OMIM 610250.

Allele frequency attached by ClinVar (database versions not stated): gnomAD exomes 0.00001.
gnomAD v4.1: 2 of 1,287,856 alleles (0.00016%); highest among the groups gnomAD compares: East Asian, 0.0067%; no homozygotes.

Submission:

Labcorp Genetics (formerly Invitae), Labcorp
Classification: Uncertain significance for Hereditary spastic paraplegia 31. Last evaluated: 2023-06-30. Review status: criteria provided, single submitter. Criteria: Invitae Variant Classification Sherloc (09022015). Collection method: clinical testing. Allele origin: germline.
Comment: In summary, the available evidence is currently insufficient to determine the role of this variant in disease. Therefore, it has been classified as a Variant of Uncertain Significance. Variants that disrupt the consensus splice site are a relatively common cause of aberrant splicing (PMID: 17576681, 9536098). Algorithms developed to predict the effect of sequence changes on RNA splicing suggest that this variant may disrupt the consensus splice site. ClinVar contains an entry for this variant (Variation ID: 2003213). This variant has not been reported in the literature in individuals affected with REEP1-related conditions. This variant is not present in population databases (gnomAD no frequency). This sequence change falls in intron 1 of the REEP1 gene. It does not directly change the encoded amino acid sequence of the REEP1 protein. It affects a nucleotide within the consensus splice site.

Literature cited by the submitters: PubMed 17576681; PubMed 9536098.

NM_001371279.1(REEP1):c.32+4A>G

Gene: REEP1 (receptor accessory protein 1; minus strand). Cytogenetic location: 2p11.2.
Variant type: single nucleotide variant.
Coding change: c.32+4A>G on transcript NM_001371279.1 (MANE Select); 4 bases into the intron after coding-DNA position 32, A replaced by G.
Molecular consequence: intron variant.
Genome position (GRCh38, 1-based): chr2:86,337,475, T>C on the plus strand (A>G on the coding strand, the complement: REEP1 is on the minus strand). VCF-style: chr2-86337475-T-C. GRCh37 (hg19) VCF-style: chr2-86564598-T-C.
Other names: c.53+549A>G (NM_001164730.2); c.24+4A>G (NM_001164731.2); c.32+4A>G (NM_001164732.2, NM_001371280.1, NM_022912.3).
Identifiers: ClinVar variation 2003213 (VCV002003213.4), dbSNP rs2469203245, ClinGen allele CA2580068274.